The following is an entry in ClinVar:

NM_000465.4(BARD1):c.2233T>G (p.Tyr745Asp)

Gene: BARD1 (BRCA1 associated RING domain 1; minus strand). Cytogenetic location: 2q35.
Variant type: single nucleotide variant.
Coding change: c.2233T>G on transcript NM_000465.4 (MANE Select); coding-DNA position 2233, T replaced by G.
Protein change: p.Tyr745Asp; replaces tyrosine 745 with aspartic acid.
Molecular consequence: missense variant. On other transcripts: non-coding transcript variant (3).
Genome position (GRCh38, 1-based): chr2:214,728,777, A>C on the plus strand (T>G on the coding strand, the complement: BARD1 is on the minus strand). VCF-style: chr2-214728777-A-C. GRCh37 (hg19) VCF-style: chr2-215593501-A-C.
Other names: c.694T>G, p.Tyr232Asp (NM_001282549.2); c.2176T>G, p.Tyr726Asp (NM_001282543.2); c.880T>G, p.Tyr294Asp (NM_001282545.2); c.823T>G, p.Tyr275Asp (NM_001282548.2); short protein forms Y745D, Y275D, Y232D, Y726D, Y294D.
Identifiers: ClinVar variation 419531 (VCV000419531.27), dbSNP rs771109295, ClinGen allele CA2090058.

ClinVar aggregate classification (germline): Conflicting classifications of pathogenicity. Review status: criteria provided, conflicting classifications (1 of 4 stars). 6 submissions from 6 submitters: Uncertain significance (5); Likely benign (1). Last evaluated 2025-07-30.

Conditions:
Familial cancer of breast. Also called: Hereditary breast cancer; BREAST CANCER, FAMILIAL; hereditary breast carcinoma. Identifiers: Orphanet 227535, MedGen C0346153, MONDO:0016419, OMIM 114480. Disease mechanism: loss of function.
Hereditary cancer-predisposing syndrome. Also called: Hereditary neoplastic syndrome; Tumor predisposition; Neoplastic Syndromes, Hereditary; Hereditary Cancer Syndrome. Identifiers: Orphanet 140162, MedGen C0027672, MeSH D009386, MONDO:0015356.

Allele frequency attached by ClinVar (database versions not stated): gnomAD exomes 0.00001; ExAC 0.00002.
gnomAD v4.1: 11 of 1,614,198 alleles (0.00068%); highest among the groups gnomAD compares: Non-Finnish European, 0.00085%; no homozygotes.

Submissions (6):

Labcorp Genetics (formerly Invitae), Labcorp
Classification: Uncertain significance for Familial cancer of breast. Last evaluated: 2025-07-30. Review status: criteria provided, single submitter. Criteria: Invitae Variant Classification Sherloc (09022015). Collection method: clinical testing. Allele origin: germline.
Comment: This sequence change replaces tyrosine, which is neutral and polar, with aspartic acid, which is acidic and polar, at codon 745 of the BARD1 protein (p.Tyr745Asp). This variant is present in population databases (rs771109295, gnomAD 0.003%). This missense change has been observed in individual(s) with a personal or family history of breast cancer (PMID: 35980532). ClinVar contains an entry for this variant (Variation ID: 419531). An algorithm developed to predict the effect of missense changes on protein structure and function (PolyPhen-2) suggests that this variant is likely to be tolerated. In summary, the available evidence is currently insufficient to determine the role of this variant in disease. Therefore, it has been classified as a Variant of Uncertain Significance.

Color Diagnostics, LLC DBA Color Health
Classification: Uncertain significance for Hereditary cancer-predisposing syndrome. Last evaluated: 2024-11-26. Review status: criteria provided, single submitter. Criteria: ACMG Guidelines, 2015. Collection method: clinical testing. Allele origin: germline.
Comment: This missense variant replaces tyrosine with aspartic acid at codon 745 of the BARD1 protein. Computational prediction suggests that this variant may not impact protein structure and function. To our knowledge, functional studies have not been performed for this variant. This variant has been detected in a breast cancer case-control meta-analysis in 2/60466 cases and 0/53461 unaffected individuals (PMID: 33471991; Leiden Open Variation Database DB-ID BARD1_000055). This variant has been identified in 3/251314 chromosomes in the general population by the Genome Aggregation Database (gnomAD). The available evidence is insufficient to determine the role of this variant in disease conclusively. Therefore, this variant is classified as a Variant of Uncertain Significance.

Ambry Genetics
Classification: Likely benign for Hereditary cancer-predisposing syndrome. Last evaluated: 2024-01-08. Review status: criteria provided, single submitter. Criteria: Ambry Variant Classification Scheme 2023. Collection method: clinical testing. Allele origin: germline.

Baylor Genetics
Classification: Uncertain significance for Familial cancer of breast. Last evaluated: 2023-10-17. Review status: criteria provided, single submitter. Criteria: ACMG Guidelines, 2015. Collection method: clinical testing. Allele origin: unknown.

GeneDx
Classification: Uncertain significance. Last evaluated: 2023-07-06. Review status: criteria provided, single submitter. Criteria: GeneDx Variant Classification Process June 2021. Collection method: clinical testing. Allele origin: germline. Affected: yes.
Comment: Not observed at significant frequency in large population cohorts (gnomAD); In silico analysis supports that this missense variant has a deleterious effect on protein structure/function; Has not been previously published as pathogenic or benign to our knowledge; This variant is associated with the following publications: (PMID: 17550235)

Quest Diagnostics Nichols Institute San Juan Capistrano
Classification: Uncertain significance. Last evaluated: 2019-11-12. Review status: criteria provided, single submitter. Criteria: Quest Diagnostics criteria. Collection method: clinical testing. Allele origin: unknown.

Literature cited by the submitters: PubMed 35980532 (cited by Labcorp Genetics (formerly Invitae), Labcorp); PubMed 33471991 (cited by Color Diagnostics, LLC DBA Color Health).